The following is an entry in ClinVar:

ClinVar aggregate classification (germline): Uncertain significance (1 of 4 stars; one submission).

Conditions:
Conotruncal heart malformations (CTHM). Also called: Conotruncal heart malformations, variable. Identifiers: Orphanet 2445, Orphanet 3384, Orphanet 3426, MedGen C1857586, MONDO:0016581, OMIM 217095.

Allele frequency attached by ClinVar (database versions not stated): TOPMed below 0.00001; gnomAD exomes 0.00001.
gnomAD v4.1: 4 of 1,550,816 alleles (0.00026%); highest among the groups gnomAD compares: Non-Finnish European, 0.00035%; no homozygotes.

Submission:

Labcorp Genetics (formerly Invitae), Labcorp
Classification: Uncertain significance for Conotruncal heart malformations. Last evaluated: 2018-02-07. Review status: criteria provided, single submitter. Criteria: Invitae Variant Classification Sherloc (09022015). Collection method: clinical testing. Allele origin: germline.
Comment: In summary, the available evidence is currently insufficient to determine the role of this variant in disease. Therefore, it has been classified as a Variant of Uncertain Significance. Algorithms developed to predict the effect of missense changes on protein structure and function do not agree on the potential impact of this missense change (SIFT: "Deleterious"; PolyPhen-2: "Benign"; Align-GVGD: "Class C0"). This variant has not been reported in the literature in individuals with NKX2-6-related disease. This variant is not present in population databases (ExAC no frequency). This sequence change replaces alanine with valine at codon 229 of the NKX2-6 protein (p.Ala229Val). The alanine residue is highly conserved and there is a small physicochemical difference between alanine and valine.

NM_001136271.3(NKX2-6):c.686C>T (p.Ala229Val)

Gene: NKX2-6 (NK2 homeobox 6; minus strand). Cytogenetic location: 8p21.2.
Variant type: single nucleotide variant.
Coding change: c.686C>T on transcript NM_001136271.3 (MANE Select); coding-DNA position 686, C replaced by T.
Protein change: p.Ala229Val; replaces alanine 229 with valine.
Molecular consequence: missense variant.
Genome position (GRCh38, 1-based): chr8:23,702,671, G>A on the plus strand (C>T on the coding strand, the complement: NKX2-6 is on the minus strand). VCF-style: chr8-23702671-G-A. GRCh37 (hg19) VCF-style: chr8-23560184-G-A.
Other names: short protein forms A229V.
Identifiers: ClinVar variation 573392 (VCV000573392.5), dbSNP rs1563303655, ClinGen allele CA370602482.